The following is an entry in ClinVar:

NM_006096.4(NDRG1):c.331A>C (p.Met111Leu)

Gene: NDRG1 (N-myc downstream regulated 1; minus strand). Cytogenetic location: 8q24.22.
Variant type: single nucleotide variant.
Coding change: c.331A>C on transcript NM_006096.4 (MANE Select); coding-DNA position 331, A replaced by C.
Protein change: p.Met111Leu; replaces methionine 111 with leucine.
Molecular consequence: missense variant.
Genome position (GRCh38, 1-based): chr8:133,259,226, T>G on the plus strand (A>C on the coding strand, the complement: NDRG1 is on the minus strand). VCF-style: chr8-133259226-T-G. GRCh37 (hg19) VCF-style: chr8-134271469-T-G.
Other names: c.331A>C, p.Met111Leu (NM_001135242.2, NM_001374844.1, NM_001374845.1 and 1 more transcripts); c.133A>C, p.Met45Leu (NM_001258432.2, NM_001374847.1); c.88A>C, p.Met30Leu (NM_001258433.2); short protein forms M111L, M30L, M45L.
Identifiers: ClinVar variation 188374 (VCV000188374.65), dbSNP rs2233328, ClinGen allele CA334740.

ClinVar aggregate classification (germline): Conflicting classifications of pathogenicity. Review status: criteria provided, conflicting classifications (1 of 4 stars). 9 submissions from 9 submitters: Uncertain significance (1); Benign (2); Likely benign (5). 1 of the submissions does not count toward it. Last evaluated 2026-01-20.

Conditions:
Charcot-Marie-Tooth disease. Also called: Charcot-Marie-Tooth Hereditary Neuropathy; Charcot-Marie-Tooth Neuropathy. Identifiers: Orphanet 166, MedGen C0007959, MONDO:0015626.
Inborn genetic diseases. Identifiers: MedGen C0950123, MeSH D030342.
Charcot-Marie-Tooth disease type 4. Also called: Charcot-Marie-Tooth, Type 4; Charcot-Marie-Tooth disease, type IV. Identifiers: Orphanet 64749, MedGen C4082197, MONDO:0018995.
Charcot-Marie-Tooth disease type 4D. Also called: CHARCOT-MARIE-TOOTH DISEASE, DEMYELINATING, AUTOSOMAL RECESSIVE, TYPE 4D; CHARCOT-MARIE-TOOTH DISEASE, DEMYELINATING, TYPE 4D; Charcot-Marie-Tooth Neuropathy Type 4D; NEUROPATHY, HEREDITARY MOTOR AND SENSORY, LOM TYPE. Identifiers: Orphanet 99950, MedGen C1832334, MONDO:0011085, OMIM 601455.

Allele frequency attached by ClinVar (database versions not stated): 1000 Genomes Project 0.00040; 1000 Genomes Project 30x 0.00062; ESP Exome Variant Server 0.00062; TOPMed 0.00062; ExAC 0.00140; gnomAD exomes 0.00166; gnomAD 0.00189 and 0.00201.

Submissions (9):

Labcorp Genetics (formerly Invitae), Labcorp
Classification: Benign for Charcot-Marie-Tooth disease type 4. Last evaluated: 2026-01-20. Review status: criteria provided, single submitter. Criteria: Invitae Variant Classification Sherloc (09022015). Collection method: clinical testing. Allele origin: germline.

Mayo Clinic Laboratories, Mayo Clinic
Classification: Benign. Last evaluated: 2025-09-07. Review status: criteria provided, single submitter. Criteria: ACMG Guidelines, 2015. Collection method: clinical testing. Allele origin: germline. Observed: 4 variant alleles.
Comment: BA1, BP4_moderate

CeGaT Center for Human Genetics Tuebingen
Classification: Likely benign. Last evaluated: 2025-09-01. Review status: criteria provided, single submitter. Criteria: CeGaT Center For Human Genetics Tuebingen Variant Classification Criteria Version 2. Collection method: clinical testing. Allele origin: germline. Affected: yes. Observed: 5 variant alleles.
Comment: NDRG1: BP4, BS1:Supporting

Blueprint Genetics
Classification: Likely benign. Last evaluated: 2024-11-19. Review status: criteria provided, single submitter. Criteria: ACMG Guidelines, 2015. Collection method: clinical testing. Allele origin: germline.

GeneDx
Classification: Likely benign. Last evaluated: 2021-03-11. Review status: criteria provided, single submitter. Criteria: GeneDx Variant Classification Process June 2021. Collection method: clinical testing. Allele origin: germline. Affected: yes.
Comment: This variant is associated with the following publications: (PMID: 12872253)

Ambry Genetics
Classification: Likely benign for Inborn genetic diseases. Last evaluated: 2020-09-22. Review status: criteria provided, single submitter. Criteria: Ambry Variant Classification Scheme 2023. Collection method: clinical testing. Allele origin: germline.

Illumina Laboratory Services, Illumina
Classification: Uncertain significance for Charcot-Marie-Tooth disease type 4D. Last evaluated: 2018-01-12. Review status: criteria provided, single submitter. Criteria: ICSL Variant Classification Criteria 13 December 2019. Collection method: clinical testing. Allele origin: germline.

Molecular Genetics Laboratory, London Health Sciences Centre
Classification: Likely benign for Charcot-Marie-Tooth disease. Review status: criteria provided, single submitter. Criteria: ACMG Guidelines, 2015. Collection method: clinical testing. Allele origin: germline. Affected: yes.

Natera, Inc.
Classification: Likely benign for Charcot-Marie-Tooth disease type 4D. Last evaluated: 2020-01-15. Review status: no assertion criteria provided. Collection method: clinical testing. Allele origin: germline. Not counted in ClinVar's aggregate classification.

Literature cited by the submitters: PubMed 12872253 (cited by Mayo Clinic Laboratories, Mayo Clinic).